The following is an entry in ClinVar:

ClinVar aggregate classification (germline): Pathogenic (1 of 4 stars; one submission).

Submission:

Labcorp Genetics (formerly Invitae), Labcorp
Classification: Pathogenic. Last evaluated: 2020-02-24. Review status: criteria provided, single submitter. Criteria: Invitae Variant Classification Sherloc (09022015). Collection method: clinical testing. Allele origin: germline.
Comment: This sequence change affects a donor splice site in intron 1 of the PROP1 gene. It is expected to disrupt RNA splicing and likely results in an absent or disrupted protein product. Donor and acceptor splice site variants typically lead to a loss of protein function (PMID: 16199547), and loss-of-function variants in PROP1 are known to be pathogenic (PMID: 9462743, 9745452). For these reasons, this variant has been classified as Pathogenic. Algorithms developed to predict the effect of sequence changes on RNA splicing suggest that this variant may disrupt the consensus splice site, but this prediction has not been confirmed by published transcriptional studies. Disruption of this splice site has been observed in individuals affected with PROP1-related conditions (PMID: 15472232, 28734020). This variant is not present in population databases (ExAC no frequency).

Literature cited by the submitters: PubMed 16199547; PubMed 9462743; PubMed 9745452; PubMed 15472232; PubMed 28734020.

NM_006261.5(PROP1):c.109+1G>C

Gene: PROP1 (PROP paired-like homeobox 1; minus strand). Cytogenetic location: 5q35.3.
Variant type: single nucleotide variant.
Coding change: c.109+1G>C on transcript NM_006261.5 (MANE Select); the canonical splice donor site of the intron after coding-DNA position 109, G replaced by C.
Molecular consequence: splice donor variant.
Genome position (GRCh38, 1-based): chr5:177,995,824, C>G on the plus strand (G>C on the coding strand, the complement: PROP1 is on the minus strand). VCF-style: chr5-177995824-C-G. GRCh37 (hg19) VCF-style: chr5-177422825-C-G.
Identifiers: ClinVar variation 1070216 (VCV001070216.10), dbSNP rs1214465435, ClinGen allele CA362379415.